The following is an entry in ClinVar:

NM_006361.6(HOXB13):c.636C>T (p.Ala212=)

Gene: HOXB13 (homeobox B13; minus strand). Cytogenetic location: 17q21.32.
Variant type: single nucleotide variant.
Coding change: c.636C>T on transcript NM_006361.6 (MANE Select); coding-DNA position 636, C replaced by T.
Protein change: p.Ala212=; no amino-acid change (alanine 212 retained).
Molecular consequence: synonymous variant.
Genome position (GRCh38, 1-based): chr17:48,727,009, G>A on the plus strand (C>T on the coding strand, the complement: HOXB13 is on the minus strand). VCF-style: chr17-48727009-G-A. GRCh37 (hg19) VCF-style: chr17-46804371-G-A.
Identifiers: ClinVar variation 826355 (VCV000826355.5), dbSNP rs1597932953, ClinGen allele CA500501209.

ClinVar aggregate classification (germline): Benign/Likely benign. Review status: criteria provided, multiple submitters, no conflicts (2 of 4 stars). 2 submissions from 2 submitters: Benign (1); Likely benign (1). Last evaluated 2024-10-30.

Conditions:
Prostate cancer, hereditary, 9 (HPC9). Identifiers: Orphanet 1331, MedGen C1970250, MONDO:0012597, OMIM 610997.
Hereditary cancer-predisposing syndrome. Also called: Neoplastic Syndromes, Hereditary; Tumor predisposition; Hereditary neoplastic syndrome; Hereditary Cancer Syndrome. Identifiers: Orphanet 140162, MedGen C0027672, MeSH D009386, MONDO:0015356.

Submissions (2):

Myriad Genetics, Inc.
Classification: Benign for Prostate cancer, hereditary, 9. Last evaluated: 2024-10-30. Review status: criteria provided, single submitter. Criteria: Myriad Autosomal Dominant, Autosomal Recessive and X-Linked Classification Criteria (2023). Collection method: clinical testing. Allele origin: unknown.
Comment: This variant is considered benign. This variant is a silent/synonymous amino acid change and it is not expected to impact splicing.

Ambry Genetics
Classification: Likely benign for Hereditary cancer-predisposing syndrome. Last evaluated: 2019-08-08. Review status: criteria provided, single submitter. Criteria: Ambry Variant Classification Scheme 2023. Collection method: clinical testing. Allele origin: germline.